The following is an entry in ClinVar:

ClinVar aggregate classification (germline): Uncertain significance (1 of 4 stars; one submission).

Conditions:
Hereditary cancer-predisposing syndrome. Also called: Neoplastic Syndromes, Hereditary; Tumor predisposition; Hereditary Cancer Syndrome; Hereditary neoplastic syndrome. Identifiers: Orphanet 140162, MedGen C0027672, MeSH D009386, MONDO:0015356.

Submission:

Ambry Genetics
Classification: Uncertain significance for Hereditary cancer-predisposing syndrome. Last evaluated: 2014-02-04. Review status: criteria provided, single submitter. Criteria: Ambry Autosomal Dominant and X-Linked criteria (10/2015). Collection method: clinical testing. Allele origin: germline. Observed: 1 variant allele.
Comment: Ã¢â‚¬â€¹The p.S325I variant (also known as c.974G>T) is located in coding exon 8 of the STK11 gene. This alteration results from a G to T substitution at nucleotide position 974. The serine at codon 325 is replaced by isoleucine, an amino acid with dissimilar properties. This variant was not reported in population-based cohorts in the following databases: Database of Single Nucleotide Polymorphisms (dbSNP), NHLBI Exome Sequencing Project (ESP) and 1000 Genomes Project. To date, this alteration has been detected with an allele frequency of approximately 0.005% (greater than 20,000 alleles tested) in our clinical cohort (includes this individual). Based on protein sequence alignment, this amino acid position is highly conserved in available vertebrate species. In addition, the in silico prediction for this alteration is inconclusive. Since supporting evidence is limited at this time, the clinical significance of p.S325I remains unclear.

NM_000455.5(STK11):c.974G>T (p.Ser325Ile)

Gene: STK11 (serine/threonine kinase 11; plus strand). Cytogenetic location: 19p13.3.
Variant type: single nucleotide variant.
Coding change: c.974G>T on transcript NM_000455.5 (MANE Select); coding-DNA position 974, G replaced by T.
Protein change: p.Ser325Ile; replaces serine 325 with isoleucine.
Molecular consequence: missense variant.
Genome position (GRCh38, 1-based): chr19:1,223,038, G>T. VCF-style: chr19-1223038-G-T. GRCh37 (hg19) VCF-style: chr19-1223037-G-T.
Other names: short protein forms S325I.
Identifiers: ClinVar variation 141304 (VCV000141304.3), dbSNP rs587781643, ClinGen allele CA023389.